The following is an entry in ClinVar:

ClinVar aggregate classification (germline): Likely benign (1 of 4 stars; one submission).

Conditions:
Marfan syndrome (MFS). Also called: MARFAN SYNDROME, TYPE I; Marfan syndrome type 1; Marfan's syndrome; Marfan syndrome, classic; FBN1-Related Marfan Syndrome. Identifiers: Orphanet 284963, Orphanet 558, MedGen C0024796, MONDO:0007947, OMIM 154700.

Submission:

All of Us Research Program, National Institutes of Health
Classification: Likely benign for Marfan syndrome. Last evaluated: 2023-12-13. Review status: criteria provided, single submitter. Criteria: ACMG Guidelines, 2015. Collection method: clinical testing. Allele origin: germline. Inheritance: Autosomal dominant inheritance. Observed: 1 variant allele, 1 heterozygote.
Comment: This study involves interpretation of variants in research participants for the purpose of population health screening. Participant phenotype was not available at the time of variant classification. Additional details can be found in publication PMID: 35346344, PMCID: PMC8962531

NM_000138.5(FBN1):c.6087C>T (p.Cys2029=)

Gene: FBN1 (fibrillin 1; minus strand). Cytogenetic location: 15q21.1.
Variant type: single nucleotide variant.
Coding change: c.6087C>T on transcript NM_000138.5 (MANE Select); coding-DNA position 6087, C replaced by T.
Protein change: p.Cys2029=; no amino-acid change (cysteine 2029 retained).
Molecular consequence: synonymous variant.
Genome position (GRCh38, 1-based): chr15:48,441,797, G>A on the plus strand (C>T on the coding strand, the complement: FBN1 is on the minus strand). VCF-style: chr15-48441797-G-A. GRCh37 (hg19) VCF-style: chr15-48733994-G-A.
Other names: c.6087C>T, p.Cys2029= (NM_001406716.1).
Identifiers: ClinVar variation 3074829 (VCV003074829.1), dbSNP rs1555395475, ClinGen allele CA490021609.